The following is an entry in ClinVar:

NM_000199.5(SGSH):c.376dup (p.Val126fs)

Gene: SGSH (N-sulfoglucosamine sulfohydrolase; minus strand). Cytogenetic location: 17q25.3.
Variant type: Duplication.
Coding change: c.376dup on transcript NM_000199.5 (MANE Select); coding-DNA position 376, one base duplicated (G; older notation c.376dupG).
Protein change: p.Val126fs; shifts the reading frame from valine 126.
Molecular consequence: frameshift variant. On other transcripts: non-coding transcript variant (1).
Genome position (GRCh38, 1-based): chr17:80,214,745, C duplicated on the plus strand (G on the coding strand, the reverse complement: SGSH is on the minus strand). VCF-style (leftmost placement, unchanged base first): chr17-80214744-A-AC. GRCh37 (hg19) VCF-style: chr17-78188543-A-AC.
Other names: c.376dup, p.Val126fs (NM_001352921.3, NM_001352922.2); short protein forms V126fs.
Identifiers: ClinVar variation 552173 (VCV000552173.6), dbSNP rs1555621971, ClinGen allele CA658824976.
Genomic context (GRCh38, chr17:80,214,744, plus strand): 5'-AGGACGGAGCCATTCTCCTCCGTGTACGCAAAGTCAAACGGGTACACGGTCTCCGGCCCC[A>AC]CGTGCTTCTTCCCGATGATGCCTGGGCGGGAAGAGAGGCCTGGCCAGAGTCCCTTCAGCC-3'

ClinVar aggregate classification (germline): Pathogenic. Review status: criteria provided, multiple submitters, no conflicts (2 of 4 stars). 3 submissions from 3 submitters: Pathogenic (2). 1 of the submissions does not count toward it. Last evaluated 2024-06-04.

Conditions:
Mucopolysaccharidosis, MPS-III-A (MPS3A). Also called: SANFILIPPO SYNDROME A; SULFAMIDASE DEFICIENCY; MPS III A; MUCOPOLYSACCHARIDOSIS, TYPE IIIA, ATTENUATED; Mucopolysaccharidosis type IIIA (Sanfilippo A); MPS IIIA (Sanfilippo Syndrome Type A). Identifiers: Orphanet 581, Orphanet 79269, MedGen C0086647, MONDO:0009655, OMIM 252900.

Allele frequency attached by ClinVar (database versions not stated): gnomAD 0.00001; gnomAD exomes 0.00001.

Submissions (3):

Fulgent Genetics
Classification: Pathogenic for Mucopolysaccharidosis, MPS-III-A. Last evaluated: 2024-06-04. Review status: criteria provided, single submitter. Criteria: ACMG Guidelines, 2015. Collection method: clinical testing. Allele origin: germline.

Labcorp Genetics (formerly Invitae), Labcorp
Classification: Pathogenic for Mucopolysaccharidosis, MPS-III-A. Last evaluated: 2023-03-27. Review status: criteria provided, single submitter. Criteria: Invitae Variant Classification Sherloc (09022015). Collection method: clinical testing. Allele origin: germline.
Comment: For these reasons, this variant has been classified as Pathogenic. ClinVar contains an entry for this variant (Variation ID: 552173). This premature translational stop signal has been observed in individual(s) with mucopolysaccharidosis type III (PMID: 9285796, 29023963). This variant is not present in population databases (gnomAD no frequency). This sequence change creates a premature translational stop signal (p.Val126Glyfs*10) in the SGSH gene. It is expected to result in an absent or disrupted protein product. Loss-of-function variants in SGSH are known to be pathogenic (PMID: 11182930, 21204211, 22976768).

Counsyl
Classification: Pathogenic for Mucopolysaccharidosis, MPS-III-A. Last evaluated: 2017-05-24. Review status: no assertion criteria provided. Collection method: clinical testing. Allele origin: unknown. Not counted in ClinVar's aggregate classification.

Literature cited by the submitters: PubMed 9285796 (cited by Labcorp Genetics (formerly Invitae), Labcorp and Counsyl); PubMed 29023963 (cited by Labcorp Genetics (formerly Invitae), Labcorp); PubMed 11182930 (cited by Labcorp Genetics (formerly Invitae), Labcorp); PubMed 21204211 (cited by Labcorp Genetics (formerly Invitae), Labcorp); PubMed 22976768 (cited by Labcorp Genetics (formerly Invitae), Labcorp); PubMed 23084433 (cited by Counsyl).